The following is an entry in ClinVar:

ClinVar aggregate classification (germline): Pathogenic (1 of 4 stars; one submission).

Conditions:
GATA binding protein 1 related thrombocytopenia with dyserythropoiesis. Also called: GATA1-Related X-Linked Cytopenia; GATA1-Related Cytopenia. Identifiers: MedGen C1845837, MONDO:0100089.
Diamond-Blackfan anemia. Also called: Blackfan Diamond syndrome; Aregenerative anemia chronic congenital; Red cell aplasia, pure hereditary; Congenital hypoplastic anemia; Aase syndrome. Identifiers: Orphanet 124, MedGen C1260899, MeSH D029503, MONDO:0015253, HP:0004810.

Submission:

Labcorp Genetics (formerly Invitae), Labcorp
Classification: Pathogenic for GATA binding protein 1 related thrombocytopenia with dyserythropoiesis; Diamond-Blackfan anemia. Last evaluated: 2018-11-16. Review status: criteria provided, single submitter. Criteria: Invitae Variant Classification Sherloc (09022015). Collection method: clinical testing. Allele origin: germline.
Comment: Loss-of-function variants in GATA1 are known to be pathogenic (PMID: 16783379, 22706301, 23704091, 24453067). This variant has not been reported in the literature in individuals with GATA1-related disease. This variant is not present in population databases (ExAC no frequency). This sequence change creates a premature translational stop signal (p.Phe3Leufs*38) in the GATA1 gene. It is expected to result in an absent or disrupted protein product. For these reasons, this variant has been classified as Pathogenic.

Literature cited by the submitters: PubMed 16783379; PubMed 22706301; PubMed 23704091; PubMed 24453067.

NM_002049.4(GATA1):c.5_8dup (p.Phe3fs)

Gene: GATA1 (GATA binding protein 1; plus strand). Cytogenetic location: Xp11.23.
Variant type: Duplication.
Coding change: c.5_8dup on transcript NM_002049.4 (MANE Select); coding-DNA positions 5 to 8, 4 bases duplicated (AGTT; older notation c.5_8dupAGTT).
Protein change: p.Phe3fs; shifts the reading frame from phenylalanine 3.
Molecular consequence: frameshift variant.
Genome position (GRCh38, 1-based): chrX:48,791,114-48,791,117, AGTT duplicated. VCF-style (leftmost placement, unchanged base first): chrX-48791113-G-GAGTT. GRCh37 (hg19) VCF-style: chrX-48649520-G-GAGTT.
Other names: c.5_8dupAGTT (NM_002049.3); short protein forms F3fs.
Identifiers: ClinVar variation 660513 (VCV000660513.7), dbSNP rs1602218917, ClinGen allele CA915951046.